The following is an entry in ClinVar:

NM_199242.3(UNC13D):c.1135G>A (p.Glu379Lys)

Gene: UNC13D (unc-13 homolog D; minus strand). Cytogenetic location: 17q25.1.
Variant type: single nucleotide variant.
Coding change: c.1135G>A on transcript NM_199242.3 (MANE Select); coding-DNA position 1135, G replaced by A.
Protein change: p.Glu379Lys; replaces glutamic acid 379 with lysine.
Molecular consequence: missense variant.
Genome position (GRCh38, 1-based): chr17:75,836,839, C>T on the plus strand (G>A on the coding strand, the complement: UNC13D is on the minus strand). VCF-style: chr17-75836839-C-T. GRCh37 (hg19) VCF-style: chr17-73832920-C-T.
Other names: short protein forms E379K.
Identifiers: ClinVar variation 1024309 (VCV001024309.6), dbSNP rs151047555, ClinGen allele CA294087264.
Genomic context (GRCh38, chr17:75,836,839, plus strand): 5'-CCCCTTGCCACTGCATGCCTACCTGTTCTGCCTTGAGCCGACCCTGGATCCACTGGTACT[C>T]GATGCTGGTGATGGGGTGCAGGAGGCAGCTGCTGGGGAACTCCAGGCTCTGGTAGAGGCG-3'
Protein context (NP_954712.1, residues 369-389): SCLLHPITSI[Glu379Lys]YQWIQGRLKA

ClinVar aggregate classification (germline): Uncertain significance (1 of 4 stars; one submission).

Conditions:
Familial hemophagocytic lymphohistiocytosis 3 (FHL3). Also called: UNC13D-Related Familial Hemophagocytic Lymphohistiocytosis (UNC13D-fHLH). Identifiers: Orphanet 540, MedGen C1837174, MONDO:0012146, OMIM 608898.

Allele frequency attached by ClinVar (database versions not stated): gnomAD exomes below 0.00001 and 0.00001; gnomAD 0.00001; TOPMed 0.00001; ESP Exome Variant Server 0.00008.
gnomAD v4.1: 8 of 1,613,864 alleles (0.0005%); highest among the groups gnomAD compares: Middle Eastern, 0.016%; no homozygotes.

Submission:

Labcorp Genetics (formerly Invitae), Labcorp
Classification: Uncertain significance for Familial hemophagocytic lymphohistiocytosis 3. Last evaluated: 2022-08-19. Review status: criteria provided, single submitter. Criteria: Invitae Variant Classification Sherloc (09022015). Collection method: clinical testing. Allele origin: germline.
Comment: This sequence change replaces glutamic acid, which is acidic and polar, with lysine, which is basic and polar, at codon 379 of the UNC13D protein (p.Glu379Lys). This variant is not present in population databases (gnomAD no frequency). This variant has not been reported in the literature in individuals affected with UNC13D-related conditions. ClinVar contains an entry for this variant (Variation ID: 1024309). Algorithms developed to predict the effect of missense changes on protein structure and function are either unavailable or do not agree on the potential impact of this missense change (SIFT: "Not Available"; PolyPhen-2: "Probably Damaging"; Align-GVGD: "Not Available"). In summary, the available evidence is currently insufficient to determine the role of this variant in disease. Therefore, it has been classified as a Variant of Uncertain Significance.